The following is an entry in ClinVar:

NM_001103.4(ACTN2):c.551T>G (p.Leu184Arg)

Gene: ACTN2 (actinin alpha 2; plus strand). Cytogenetic location: 1q43.
Variant type: single nucleotide variant.
Coding change: c.551T>G on transcript NM_001103.4 (MANE Select); coding-DNA position 551, T replaced by G.
Protein change: p.Leu184Arg; replaces leucine 184 with arginine.
Molecular consequence: missense variant. On other transcripts: non-coding transcript variant (1).
Genome position (GRCh38, 1-based): chr1:236,727,692, T>G. VCF-style: chr1-236727692-T-G. GRCh37 (hg19) VCF-style: chr1-236890992-T-G.
Other names: c.551T>G, p.Leu184Arg (NM_001278343.2); c.-271T>G (NM_001278344.2); c.-396T>G (NM_001412150.1); short protein forms L184R.
Identifiers: ClinVar variation 3232706 (VCV003232706.1), dbSNP rs1658594172, ClinGen allele CA345375367.

ClinVar aggregate classification (germline): Uncertain significance (1 of 4 stars; one submission).

Conditions:
Cardiovascular phenotype. Identifiers: MedGen CN230736.

Allele frequency attached by ClinVar (database versions not stated): gnomAD 0.00001; TOPMed 0.00001.
gnomAD v4.1: 2 of 1,614,012 alleles (0.00012%); highest among the groups gnomAD compares: African/African-American, 0.0013%; no homozygotes.

Submission:

Ambry Genetics
Classification: Uncertain significance for Cardiovascular phenotype. Last evaluated: 2024-03-09. Review status: criteria provided, single submitter. Criteria: Ambry Variant Classification Scheme 2023. Collection method: clinical testing. Allele origin: germline.
Comment: The p.L184R variant (also known as c.551T>G), located in coding exon 6 of the ACTN2 gene, results from a T to G substitution at nucleotide position 551. The leucine at codon 184 is replaced by arginine, an amino acid with dissimilar properties. This amino acid position is conserved. In addition, this alteration is predicted to be deleterious by in silico analysis. Based on the available evidence, the clinical significance of this alteration remains unclear.